The following is an entry in ClinVar:

ClinVar aggregate classification (germline): Uncertain significance. Review status: criteria provided, multiple submitters, no conflicts (2 of 4 stars). 2 submissions from 2 submitters: Uncertain significance (2). Last evaluated 2021-09-16.

Conditions:
Inborn genetic diseases. Identifiers: MedGen C0950123, MeSH D030342.
KBG syndrome (KBGS). Also called: ANKRD11-Related KBG Syndrome. Identifiers: Orphanet 2332, MedGen C0220687, MONDO:0007846, OMIM 148050.

Allele frequency attached by ClinVar (database versions not stated): TOPMed 0.00001; gnomAD 0.00004; 1000 Genomes Project 30x 0.00016.
gnomAD v4.1: 13 of 1,509,726 alleles (0.00086%); highest among the groups gnomAD compares: African/African-American, 0.017%; no homozygotes.

Submissions (2):

Ambry Genetics
Classification: Uncertain significance for Inborn genetic diseases. Last evaluated: 2021-09-16. Review status: criteria provided, single submitter. Criteria: Ambry Variant Classification Scheme 2023. Collection method: clinical testing. Allele origin: germline.

Baylor Genetics
Classification: Uncertain significance for KBG syndrome. Last evaluated: 2018-12-12. Review status: criteria provided, single submitter. Criteria: ACMG Guidelines, 2015. Collection method: clinical testing. Allele origin: paternal. Affected: yes.
Comment: This variant was determined to be of uncertain significance according to ACMG Guidelines, 2015 [PMID:25741868].

NM_013275.6(ANKRD11):c.7103G>A (p.Arg2368Lys)

Gene: ANKRD11 (ankyrin repeat domain 11; minus strand). Cytogenetic location: 16q24.3.
Variant type: single nucleotide variant.
Coding change: c.7103G>A on transcript NM_013275.6 (MANE Select); coding-DNA position 7103, G replaced by A.
Protein change: p.Arg2368Lys; replaces arginine 2368 with lysine.
Molecular consequence: missense variant.
Genome position (GRCh38, 1-based): chr16:89,279,439, C>T on the plus strand (G>A on the coding strand, the complement: ANKRD11 is on the minus strand). VCF-style: chr16-89279439-C-T. GRCh37 (hg19) VCF-style: chr16-89345847-C-T.
Other names: c.7103G>A, p.Arg2368Lys (NM_001256182.2, NM_001256183.2); c.7103G>A (NM_013275.4); short protein forms R2368K.
Identifiers: ClinVar variation 1031773 (VCV001031773.4), dbSNP rs1018954790, ClinGen allele CA286509514.